The following is an entry in ClinVar:

NM_006734.4(HIVEP2):c.5689T>A (p.Phe1897Ile)

Gene: HIVEP2 (HIVEP zinc finger 2; minus strand). Cytogenetic location: 6q24.2.
Variant type: single nucleotide variant.
Coding change: c.5689T>A on transcript NM_006734.4 (MANE Select); coding-DNA position 5689, T replaced by A.
Protein change: p.Phe1897Ile; replaces phenylalanine 1897 with isoleucine.
Molecular consequence: missense variant.
Genome position (GRCh38, 1-based): chr6:142,760,599, A>T on the plus strand (T>A on the coding strand, the complement: HIVEP2 is on the minus strand). VCF-style: chr6-142760599-A-T. GRCh37 (hg19) VCF-style: chr6-143081736-A-T.
Other names: short protein forms F1897I.
Identifiers: ClinVar variation 2431862 (VCV002431862.1), dbSNP rs2482773672, ClinGen allele CA365889007.

ClinVar aggregate classification (germline): Uncertain significance (1 of 4 stars; one submission).

Conditions:
Intellectual developmental disorder, autosomal dominant 43. Also called: Intellectual disability, autosomal dominant 43. Identifiers: MedGen C4707429, MONDO:0014858, OMIM 616977.

Submission:

Laboratorio de Genetica e Diagnostico Molecular, Hospital Israelita Albert Einstein
Classification: Uncertain significance for Intellectual developmental disorder, autosomal dominant 43. Last evaluated: 2022-09-16. Review status: criteria provided, single submitter. Criteria: ACMG Guidelines, 2015. Collection method: clinical testing. Allele origin: germline. Affected: yes. Observed: 1 variant allele.
Comment: ACMG classification criteria: PM2 moderated, BP4 supporting